The following is an entry in ClinVar:

ClinVar aggregate classification (germline): Uncertain significance. Review status: criteria provided, multiple submitters, no conflicts (2 of 4 stars). 2 submissions from 2 submitters: Uncertain significance (2). Last evaluated 2025-09-28.

Conditions:
Vitamin D hydroxylation-deficient rickets, type 1B. Also called: PSEUDOVITAMIN D3 DEFICIENCY RICKETS DUE TO 25-HYDROXYLASE DEFICIENCY; VITAMIN D-DEPENDENT RICKETS, TYPE 1B; Rickets due to Defect in Vitamin D 25-hydroxylation. Identifiers: Orphanet 289157, MedGen C1838657, MONDO:0010810, OMIM 600081.

gnomAD v4.1: 60 of 1,612,724 alleles (0.0037%); highest among the groups gnomAD compares: Admixed American, 0.017%; no homozygotes.

Submissions (2):

Labcorp Genetics (formerly Invitae), Labcorp
Classification: Uncertain significance. Last evaluated: 2025-09-28. Review status: criteria provided, single submitter. Criteria: Invitae Variant Classification Sherloc (09022015). Collection method: clinical testing. Allele origin: germline.
Comment: This sequence change replaces arginine, which is basic and polar, with tryptophan, which is neutral and slightly polar, at codon 320 of the CYP2R1 protein (p.Arg320Trp). This variant is present in population databases (rs782520338, gnomAD 0.03%). This variant has not been reported in the literature in individuals affected with CYP2R1-related conditions. ClinVar contains an entry for this variant (Variation ID: 3599228). An algorithm developed to predict the effect of missense changes on protein structure and function (PolyPhen-2) suggests that this variant is likely to be disruptive. In summary, the available evidence is currently insufficient to determine the role of this variant in disease. Therefore, it has been classified as a Variant of Uncertain Significance.

Fulgent Genetics
Classification: Uncertain significance for Vitamin D hydroxylation-deficient rickets, type 1B. Last evaluated: 2024-02-02. Review status: criteria provided, single submitter. Criteria: ACMG Guidelines, 2015. Collection method: clinical testing. Allele origin: germline.

NM_024514.5(CYP2R1):c.958C>T (p.Arg320Trp)

Genes: CYP2R1 (cytochrome P450 family 2 subfamily R member 1; minus strand), PDE3B (phosphodiesterase 3B; plus strand). Cytogenetic location: 11p15.2.
Variant type: single nucleotide variant.
Coding change: c.958C>T on transcript NM_024514.5 (MANE Select); coding-DNA position 958, C replaced by T.
Protein change: p.Arg320Trp; replaces arginine 320 with tryptophan.
Molecular consequence: missense variant. On other transcripts: non-coding transcript variant (8), intron variant (3).
Genome position (GRCh38, 1-based): chr11:14,880,178, G>A on the plus strand (C>T on the coding strand, the complement: CYP2R1 is on the minus strand). VCF-style: chr11-14880178-G-A. GRCh37 (hg19) VCF-style: chr11-14901724-G-A.
Other names: c.613C>T, p.Arg205Trp (NM_001377214.1, NM_001377215.1, NM_001377216.1 and 5 more transcripts); c.796C>T, p.Arg266Trp (NM_001377217.1); c.259C>T, p.Arg87Trp (NM_001400562.1, NM_001400563.1, NM_001400564.1 and 1 more transcripts); c.814C>T, p.Arg272Trp (NM_001400567.1); c.913C>T, p.Arg305Trp (NM_001400568.1); c.2887-18767G>A (NM_001429700.1); c.2887-18778G>A (NM_001429699.1); c.23-735C>T (NM_001400566.1); short protein forms R87W, R272W, R320W, R205W, R266W, R305W.
Identifiers: ClinVar variation 3599228 (VCV003599228.1).
Genomic context (GRCh38, chr11:14,880,178, plus strand): 5'-CATCAAGAGAATCCTCACCTTGAATATTAGGATAAAGGGCCATGAAAAGAATCGCCCACC[G>A]TAGCACATTGGTTGTAGTTTCAGTTCCAGCAATGATGAGTTCACCCACTGAGAAAATTAG-3'
Protein context (NP_078790.2, residues 310-330): AGTETTTNVL[Arg320Trp]WAILFMALYP